The following is an entry in ClinVar:

NM_001379500.1(COL18A1):c.106+10G>A

Genes: BNAT1 (breast cancer associated ESR1 regulating natural antisense transcript 1; minus strand), COL18A1 (collagen type XVIII alpha 1 chain; plus strand). Cytogenetic location: 21q22.3.
Variant type: single nucleotide variant.
Coding change: c.106+10G>A on transcript NM_001379500.1 (MANE Select); 10 bases into the intron after coding-DNA position 106, G replaced by A.
Molecular consequence: intron variant.
Genome position (GRCh38, 1-based): chr21:45,405,483, G>A. VCF-style: chr21-45405483-G-A. GRCh37 (hg19) VCF-style: chr21-46825398-G-A.
Other names: NM_130445.3:c.106+10G>A.
Identifiers: ClinVar variation 1652018 (VCV001652018.11), dbSNP rs561528069, ClinGen allele CA10065186.
Genomic context (GRCh38, chr21:45,405,483, plus strand): 5'-TCGCGCCCCTGGTCCTGCTGCTCGGGGTCCGCGCGGCCTCCGCGGAGCCAGGTAAGACCC[G>A]GGCGGGACGGGAAGGTTCGCGCCGGTGCCCGCCGGCCTCGCCGCCCTGGCTGGGGTCCCC-3'

ClinVar aggregate classification (germline): Likely benign. Review status: criteria provided, multiple submitters, no conflicts (2 of 4 stars). 3 submissions from 3 submitters: Likely benign (2). 1 of the submissions does not count toward it. Last evaluated 2025-09-23.

Conditions:
COL18A1-related disorder. Also called: COL18A1-related disorders; COL18A1-related condition.

Allele frequency attached by ClinVar (database versions not stated): gnomAD exomes 0.00003; 1000 Genomes Project 0.00020; gnomAD 0.00024 and 0.00028; TOPMed 0.00025; 1000 Genomes Project 30x 0.00031.
gnomAD v4.1: 71 of 1,354,714 alleles (0.0052%); highest among the groups gnomAD compares: African/African-American, 0.097%; no homozygotes.

Submissions (3):

Labcorp Genetics (formerly Invitae), Labcorp
Classification: Likely benign. Last evaluated: 2025-09-23. Review status: criteria provided, single submitter. Criteria: Invitae Variant Classification Sherloc (09022015). Collection method: clinical testing. Allele origin: germline.

Blueprint Genetics
Classification: Likely benign. Last evaluated: 2022-11-14. Review status: criteria provided, single submitter. Criteria: ACMG Guidelines, 2015. Collection method: clinical testing. Allele origin: germline.

PreventionGenetics, part of Exact Sciences
Classification: Likely benign for COL18A1-related condition. Last evaluated: 2021-01-25. Review status: no assertion criteria provided. Collection method: clinical testing. Allele origin: germline. Not counted in ClinVar's aggregate classification.
Comment: This variant is classified as likely benign based on ACMG/AMP sequence variant interpretation guidelines (Richards et al. 2015 PMID: 25741868, with internal and published modifications).